The following is an entry in ClinVar:

ClinVar aggregate classification (germline): Conflicting classifications of pathogenicity. Review status: criteria provided, conflicting classifications (1 of 4 stars). 5 submissions from 5 submitters: Uncertain significance (2); Likely benign (3). Last evaluated 2025-12-23.

Conditions:
Autosomal recessive hypophosphatemic bone disease (HHRH). Also called: Hypophosphatemic rickets with hypercalciuria; HYPERCALCIURIC RICKETS. Identifiers: Orphanet 157215, MedGen C1853271, MONDO:0009431, OMIM 241530.
SLC34A3-related disorder. Also called: SLC34A3-related condition.

Allele frequency attached by ClinVar (database versions not stated): TOPMed 0.00009; gnomAD 0.00014 and 0.00017; ExAC 0.00021; gnomAD exomes 0.00023; ESP Exome Variant Server 0.00032.
gnomAD v4.1: 218 of 1,609,932 alleles (0.014%); highest among the groups gnomAD compares: Non-Finnish European, 0.0061%; no homozygotes.

Submissions (5):

Labcorp Genetics (formerly Invitae), Labcorp
Classification: Likely benign. Last evaluated: 2025-12-23. Review status: criteria provided, single submitter. Criteria: Invitae Variant Classification Sherloc (09022015). Collection method: clinical testing. Allele origin: germline.

PreventionGenetics, part of Exact Sciences
Classification: Likely benign for SLC34A3-related condition. Last evaluated: 2025-06-16. Review status: criteria provided, single submitter. Criteria: ACMG Guidelines, 2015. Collection method: clinical testing. Allele origin: germline.
Comment: This variant is classified as likely benign based on ACMG/AMP sequence variant interpretation guidelines (Richards et al. 2015 PMID: 25741868, with internal and published modifications).

Mayo Clinic Laboratories, Mayo Clinic
Classification: Likely benign. Last evaluated: 2025-03-30. Review status: criteria provided, single submitter. Criteria: ACMG Guidelines, 2015. Collection method: clinical testing. Allele origin: germline. Observed: 1 variant allele.
Comment: BP4_strong

GeneDx
Classification: Uncertain significance. Last evaluated: 2024-09-27. Review status: criteria provided, single submitter. Criteria: GeneDx Variant Classification Process June 2021. Collection method: clinical testing. Allele origin: germline. Affected: yes.
Comment: In silico analysis indicates that this missense variant does not alter protein structure/function; Has not been previously published as pathogenic or benign to our knowledge

Fulgent Genetics
Classification: Uncertain significance for Autosomal recessive hypophosphatemic bone disease. Last evaluated: 2024-02-07. Review status: criteria provided, single submitter. Criteria: ACMG Guidelines, 2015. Collection method: clinical testing. Allele origin: germline.

NM_001177316.2(SLC34A3):c.1535T>C (p.Met512Thr)

Gene: SLC34A3 (solute carrier family 34 member 3; plus strand). Cytogenetic location: 9q34.3.
Variant type: single nucleotide variant.
Coding change: c.1535T>C on transcript NM_001177316.2 (MANE Select); coding-DNA position 1535, T replaced by C.
Protein change: p.Met512Thr; replaces methionine 512 with threonine.
Molecular consequence: missense variant.
Genome position (GRCh38, 1-based): chr9:137,236,151, T>C. VCF-style: chr9-137236151-T-C. GRCh37 (hg19) VCF-style: chr9-140130603-T-C.
Other names: p.Met512Thr; c.1535T>C (NM_080877.2); c.1535T>C, p.Met512Thr (NM_001177317.2, NM_080877.3); short protein forms M512T.
Identifiers: ClinVar variation 1124383 (VCV001124383.13), dbSNP rs199629080, ClinGen allele CA5364986.